The following is an entry in ClinVar:

NM_012154.5(AGO2):c.1348G>A (p.Val450Met)

Gene: AGO2 (argonaute RISC catalytic component 2; minus strand). Cytogenetic location: 8q24.3.
Variant type: single nucleotide variant.
Coding change: c.1348G>A on transcript NM_012154.5 (MANE Select); coding-DNA position 1348, G replaced by A.
Protein change: p.Val450Met; replaces valine 450 with methionine.
Molecular consequence: missense variant.
Genome position (GRCh38, 1-based): chr8:140,551,358, C>T on the plus strand (G>A on the coding strand, the complement: AGO2 is on the minus strand). VCF-style: chr8-140551358-C-T. GRCh37 (hg19) VCF-style: chr8-141561457-C-T.
Other names: c.1348G>A, p.Val450Met (NM_001164623.3); short protein forms V450M.
Identifiers: ClinVar variation 3058669 (VCV003058669.2), dbSNP rs1384149030, ClinGen allele CA372320381.

ClinVar aggregate classification (germline): Uncertain significance (0 of 4 stars; one submission).

Conditions:
AGO2-related disorder. Also called: AGO2-related condition.

Allele frequency attached by ClinVar (database versions not stated): gnomAD exomes below 0.00001; gnomAD 0.00001; TOPMed 0.00002.
gnomAD v4.1: 3 of 1,599,090 alleles (0.00019%); highest among the groups gnomAD compares: African/African-American, 0.004%; no homozygotes.

Submission:

PreventionGenetics, part of Exact Sciences
Classification: Uncertain significance for AGO2-related condition. Last evaluated: 2023-11-29. Review status: no assertion criteria provided. Collection method: clinical testing. Allele origin: germline.
Comment: The AGO2 c.1348G>A variant is predicted to result in the amino acid substitution p.Val450Met. To our knowledge, this variant has not been reported in the literature or in a large population database, indicating this variant is rare. At this time, the clinical significance of this variant is uncertain due to the absence of conclusive functional and genetic evidence.